The following is an entry in ClinVar:

ClinVar aggregate classification (germline): Uncertain significance (1 of 4 stars; one submission).

Allele frequency attached by ClinVar (database versions not stated): gnomAD exomes below 0.00001.
gnomAD v4.1: 1 of 1,614,194 alleles (0.000062%); highest among the groups gnomAD compares: Middle Eastern, 0.016%; no homozygotes.

Submission:

Labcorp Genetics (formerly Invitae), Labcorp
Classification: Uncertain significance. Last evaluated: 2023-12-11. Review status: criteria provided, single submitter. Criteria: Invitae Variant Classification Sherloc (09022015). Collection method: clinical testing. Allele origin: germline.
Comment: This sequence change replaces threonine, which is neutral and polar, with alanine, which is neutral and non-polar, at codon 145 of the DDX58 protein (p.Thr145Ala). This variant is not present in population databases (gnomAD no frequency). This variant has not been reported in the literature in individuals affected with DDX58-related conditions. An algorithm developed to predict the effect of missense changes on protein structure and function (PolyPhen-2) suggests that this variant is likely to be tolerated. In summary, the available evidence is currently insufficient to determine the role of this variant in disease. Therefore, it has been classified as a Variant of Uncertain Significance.

NM_014314.4(RIGI):c.433A>G (p.Thr145Ala)

Gene: RIGI (RNA sensor RIG-I; minus strand). Cytogenetic location: 9p21.1.
Variant type: single nucleotide variant.
Coding change: c.433A>G on transcript NM_014314.4 (MANE Select); coding-DNA position 433, A replaced by G.
Protein change: p.Thr145Ala; replaces threonine 145 with alanine.
Molecular consequence: missense variant. On other transcripts: 5 prime UTR variant (2), intron variant (2).
Genome position (GRCh38, 1-based): chr9:32,492,529, T>C on the plus strand (A>G on the coding strand, the complement: RIGI is on the minus strand). VCF-style: chr9-32492529-T-C. GRCh37 (hg19) VCF-style: chr9-32492527-T-C.
Other names: c.433A>G, p.Thr145Ala (NM_001385907.1, NM_001385909.1); c.-9A>G (NM_001385910.1, NM_001385914.1); c.-38-1109A>G (NM_001385912.1); c.424-6A>G (NM_001385913.1); short protein forms T145A.
Identifiers: ClinVar variation 2969409 (VCV002969409.3), dbSNP rs2489339087, ClinGen allele CA373163909.
Genomic context (GRCh38, chr9:32,492,529, plus strand): 5'-CCTTGTCTGATCTGAGAAGGCATTCCACCAATTTCTCTGCACCTGCCATCATCCCCTTAG[T>C]AGAGCAAATCTAAGCAAGGTAACTGTAGTTTATTGATCAATTATCTCAAAAGTTTTCCCT-3'
Protein context (NP_055129.2, residues 135-155): ECEEILQICS[Thr145Ala]KGMMAGAEKL